The following is an entry in ClinVar:

NM_003185.4(TAF4):c.3153G>A (p.Thr1051=)

Gene: TAF4 (TATA-box binding protein associated factor 4; minus strand). Cytogenetic location: 20q13.33.
Variant type: single nucleotide variant.
Coding change: c.3153G>A on transcript NM_003185.4 (MANE Select); coding-DNA position 3153, G replaced by A.
Protein change: p.Thr1051=; no amino-acid change (threonine 1051 retained).
Molecular consequence: synonymous variant.
Genome position (GRCh38, 1-based): chr20:61,976,273, C>T on the plus strand (G>A on the coding strand, the complement: TAF4 is on the minus strand). VCF-style: chr20-61976273-C-T. GRCh37 (hg19) VCF-style: chr20-60551329-C-T.
Identifiers: ClinVar variation 3777801 (VCV003777801.7).

ClinVar aggregate classification (germline): Likely benign (1 of 4 stars; one submission).

gnomAD v4.1: 886 of 1,613,970 alleles (0.055%); highest among the groups gnomAD compares: Middle Eastern, 0.88%; 4 homozygotes.

Submission:

CeGaT Center for Human Genetics Tuebingen
Classification: Likely benign. Last evaluated: 2025-03-01. Review status: criteria provided, single submitter. Criteria: CeGaT Center For Human Genetics Tuebingen Variant Classification Criteria Version 2. Collection method: clinical testing. Allele origin: germline. Affected: yes. Observed: 1 variant allele.
Comment: TAF4: BP4, BP7